The following is an entry in ClinVar:

ClinVar aggregate classification (germline): Uncertain significance (1 of 4 stars; one submission).

Submission:

Greenwood Genetic Center Diagnostic Laboratories, Greenwood Genetic Center
Classification: Uncertain significance. Last evaluated: 2025-04-10. Review status: criteria provided, single submitter. Criteria: ACMG Guidelines, 2015. Collection method: clinical testing. Allele origin: germline. Affected: yes.
Comment: PM2, PP3

NM_001321571.2(CAMK2D):c.1234A>G (p.Thr412Ala)

Gene: CAMK2D (calcium/calmodulin dependent protein kinase II delta; minus strand). Cytogenetic location: 4q26.
Variant type: single nucleotide variant.
Coding change: c.1234A>G on transcript NM_001321571.2 (MANE Select); coding-DNA position 1234, A replaced by G.
Protein change: p.Thr412Ala; replaces threonine 412 with alanine.
Molecular consequence: missense variant.
Genome position (GRCh38, 1-based): chr4:113,460,219, T>C on the plus strand (A>G on the coding strand, the complement: CAMK2D is on the minus strand). VCF-style: chr4-113460219-T-C. GRCh37 (hg19) VCF-style: chr4-114381375-T-C.
Other names: c.1132A>G, p.Thr378Ala (NM_001221.4, NM_172115.3, NM_172127.3 and 2 more transcripts); c.1174A>G, p.Thr392Ala (NM_001321566.2, NM_001321583.2, NM_001321589.2 and 4 more transcripts); c.1234A>G, p.Thr412Ala (NM_001321567.2, NM_001321569.2, NM_001321570.2 and 2 more transcripts); c.1207A>G, p.Thr403Ala (NM_001321568.2, NM_001321587.2, NM_001321573.2 and 1 more transcripts); c.1057A>G, p.Thr353Ala (NM_001321581.2); c.1165A>G, p.Thr389Ala (NM_001321582.2, NM_172129.2, NM_001396965.1); c.1171A>G, p.Thr391Ala (NM_001321584.2, NM_001321588.2, NM_001321577.2); c.586A>G, p.Thr196Ala (NM_001321585.2, NM_001321578.2); and 9 more; short protein forms T182A, T196A, T248A, T283A, T338A, T339A, T353A, T377A.
Identifiers: ClinVar variation 4538319 (VCV004538319.1).
Genomic context (GRCh38, chr4:113,460,219, plus strand): 5'-AGAATCGGTGAAAATCCATCCCTTCCACTAAATTACCCAAAGCTTCAGGTTCAAAAGCAG[T>C]AAGGCCTGGGTCACAGATTTTTCTGTAAAAGAAAAATAATGAAAACAACCAATTAATAGG-3'
Protein context (NP_001308500.1, residues 402-422): AYTKICDPGL[Thr412Ala]AFEPEALGNL